The following is an entry in ClinVar:

NM_020843.4(SCAPER):c.130C>T (p.Pro44Ser)

Gene: SCAPER (S-phase cyclin A associated protein in the ER; minus strand). Cytogenetic location: 15q24.3.
Variant type: single nucleotide variant.
Coding change: c.130C>T on transcript NM_020843.4 (MANE Select); coding-DNA position 130, C replaced by T.
Protein change: p.Pro44Ser; replaces proline 44 with serine.
Molecular consequence: missense variant. On other transcripts: 5 prime UTR variant (4), non-coding transcript variant (1).
Genome position (GRCh38, 1-based): chr15:76,857,874, G>A on the plus strand (C>T on the coding strand, the complement: SCAPER is on the minus strand). VCF-style: chr15-76857874-G-A. GRCh37 (hg19) VCF-style: chr15-77150215-G-A.
Other names: c.-835C>T (NM_001145923.2); c.130C>T, p.Pro44Ser (NM_001353009.2); c.-328C>T (NM_001353010.2); c.-391C>T (NM_001353011.2); c.-273C>T (NM_001353012.2); short protein forms P44S.
Identifiers: ClinVar variation 4984466 (VCV004984466.1).

ClinVar aggregate classification (germline): Uncertain significance (1 of 4 stars; one submission).

Conditions:
SCAPER-related disorder. Also called: SCAPER-related condition.

gnomAD v4.1: 1 of 1,544,820 alleles (0.000065%); highest among the groups gnomAD compares: Admixed American, 0.002%; no homozygotes.

Submission:

PreventionGenetics, part of Exact Sciences
Classification: Uncertain significance for SCAPER-related condition. Last evaluated: 2025-06-15. Review status: criteria provided, single submitter. Criteria: ACMG Guidelines, 2015. Collection method: clinical testing. Allele origin: germline.
Comment: The SCAPER c.130C>T variant is predicted to result in the amino acid substitution p.Pro44Ser. To our knowledge, this variant has not been reported in the literature. This variant is reported in 0.0042% of alleles in individuals of Latino descent in gnomAD. At this time, the clinical significance of this variant is uncertain due to the absence of conclusive functional and genetic evidence.